The following is an entry in ClinVar:

ClinVar aggregate classification (germline): Benign/Likely benign. Review status: criteria provided, multiple submitters, no conflicts (2 of 4 stars). 12 submissions from 12 submitters: Benign (2); Likely benign (9). 1 of the submissions does not count toward it. Last evaluated 2025-10-14.

Conditions:
MYH7-related disorder. Also called: MYH7-related disorders; MYH7-related condition; MYH7-related disease.
Cardiomyopathy (CMYO). Also called: Cardiomyopathies. Identifiers: Orphanet 167848, MedGen C0878544, MONDO:0004994, HP:0001638. Inheritance: Various modes of inheritance.
Hypertrophic cardiomyopathy. Also called: HYPERTROPHIC MYOCARDIOPATHY. Identifiers: Orphanet 217569, MedGen C0007194, MeSH D002312, MONDO:0005045, HP:0001639.
Cardiovascular phenotype. Identifiers: MedGen CN230736.

Allele frequency attached by ClinVar (database versions not stated): gnomAD 0.00002 and 0.00005; TOPMed 0.00003; ExAC 0.00016; gnomAD exomes 0.00016.
gnomAD v4.1: 154 of 1,613,470 alleles (0.0095%); highest among the groups gnomAD compares: South Asian, 0.085%; 1 homozygote.

Submissions (12):

Labcorp Genetics (formerly Invitae), Labcorp
Classification: Benign for Hypertrophic cardiomyopathy. Last evaluated: 2025-10-14. Review status: criteria provided, single submitter. Criteria: Invitae Variant Classification Sherloc (09022015). Collection method: clinical testing. Allele origin: germline.

Mayo Clinic Laboratories, Mayo Clinic
Classification: Likely benign. Last evaluated: 2025-07-24. Review status: criteria provided, single submitter. Criteria: ACMG Guidelines, 2015. Collection method: clinical testing. Allele origin: germline. Observed: 1 variant allele.
Comment: BS1, BP4, BP7

Molecular Diagnostic Laboratory for Inherited Cardiovascular Disease, Montreal Heart Institute
Classification: Likely benign. Last evaluated: 2025-04-09. Review status: criteria provided, single submitter. Criteria: ACMG Guidelines, 2015. Collection method: clinical testing. Allele origin: germline. Affected: no.
Comment: BP6;BP7

ARUP Laboratories, Molecular Genetics and Genomics, ARUP Laboratories
Classification: Likely benign. Last evaluated: 2024-08-11. Review status: criteria provided, single submitter. Criteria: ARUP Molecular Germline Variant Investigation Process 2024. Collection method: clinical testing. Allele origin: germline.

All of Us Research Program, National Institutes of Health
Classification: Likely benign for Cardiomyopathy. Last evaluated: 2024-02-05. Review status: criteria provided, single submitter. Criteria: ACMG Guidelines, 2015. Collection method: clinical testing. Allele origin: germline. Inheritance: Autosomal dominant inheritance. Observed: 7 variant alleles, 7 heterozygotes.
Comment: This study involves interpretation of variants in research participants for the purpose of population health screening. Participant phenotype was not available at the time of variant classification. Additional details can be found in publication PMID: 35346344, PMCID: PMC8962531

Blueprint Genetics
Classification: Likely benign. Last evaluated: 2023-03-13. Review status: criteria provided, single submitter. Criteria: ACMG Guidelines, 2015. Collection method: clinical testing. Allele origin: germline.

CHEO Genetics Diagnostic Laboratory, Children's Hospital of Eastern Ontario
Classification: Benign for Cardiomyopathy. Last evaluated: 2021-09-02. Review status: criteria provided, single submitter. Criteria: ACMG Guidelines, 2015. Collection method: clinical testing. Allele origin: germline.

Color Diagnostics, LLC DBA Color Health
Classification: Likely benign for Cardiomyopathy. Last evaluated: 2018-09-28. Review status: criteria provided, single submitter. Criteria: ACMG Guidelines, 2015. Collection method: clinical testing. Allele origin: germline.

Ambry Genetics
Classification: Likely benign for Cardiovascular phenotype. Last evaluated: 2017-02-10. Review status: criteria provided, single submitter. Criteria: Ambry Variant Classification Scheme 2023. Collection method: clinical testing. Allele origin: germline.

GeneDx
Classification: Likely benign. Last evaluated: 2016-10-07. Review status: criteria provided, single submitter. Criteria: GeneDx Variant Classification (06012015). Collection method: clinical testing. Allele origin: germline. Affected: yes.
Comment: This variant is considered likely benign or benign based on one or more of the following criteria: it is a conservative change, it occurs at a poorly conserved position in the protein, it is predicted to be benign by multiple in silico algorithms, and/or has population frequency not consistent with disease.

Breakthrough Genomics
Classification: Likely benign. Review status: criteria provided, single submitter. Criteria: ACMG Guidelines, 2015. Collection method: not provided. Allele origin: germline. Inheritance: Autosomal recessive inheritance. Affected: yes.

PreventionGenetics, part of Exact Sciences
Classification: Likely benign for MYH7-related condition. Last evaluated: 2024-03-03. Review status: no assertion criteria provided. Collection method: clinical testing. Allele origin: germline. Not counted in ClinVar's aggregate classification.
Comment: This variant is classified as likely benign based on ACMG/AMP sequence variant interpretation guidelines (Richards et al. 2015 PMID: 25741868, with internal and published modifications).

NM_000257.4(MYH7):c.5484C>T (p.Ala1828=)

Gene: MYH7 (myosin heavy chain 7; minus strand). Cytogenetic location: 14q11.2.
Variant type: single nucleotide variant.
Coding change: c.5484C>T on transcript NM_000257.4 (MANE Select); coding-DNA position 5484, C replaced by T.
Protein change: p.Ala1828=; no amino-acid change (alanine 1828 retained).
Molecular consequence: synonymous variant.
Genome position (GRCh38, 1-based): chr14:23,415,070, G>A on the plus strand (C>T on the coding strand, the complement: MYH7 is on the minus strand). VCF-style: chr14-23415070-G-A. GRCh37 (hg19) VCF-style: chr14-23884279-G-A.
Other names: p.Ala1828=; c.5484C>T (LRG_384t1).
Identifiers: ClinVar variation 378988 (VCV000378988.25), dbSNP rs202175645, ClinGen allele CA046907.